The following is an entry in ClinVar:

NM_018149.7(SMG8):c.49_66del (p.Trp17_Ser22del)

Gene: SMG8 (SMG8 nonsense mediated mRNA decay factor; plus strand). Cytogenetic location: 17q22.
Variant type: Deletion.
Coding change: c.49_66del on transcript NM_018149.7 (MANE Select); coding-DNA positions 49 to 66, 18 bases deleted (TGGATGGGCTCTGAAAGT).
Protein change: p.Trp17_Ser22del.
Molecular consequence: inframe deletion.
Genome position (GRCh38, 1-based): chr17:59,210,100-59,210,117, TGGATGGGCTCTGAAAGT deleted. VCF-style (leftmost placement, unchanged base first): chr17-59210099-CTGGATGGGCTCTGAAAGT-C. GRCh37 (hg19) VCF-style: chr17-57287460-CTGGATGGGCTCTGAAAGT-C.
Identifiers: ClinVar variation 5005782 (VCV005005782.2).

ClinVar aggregate classification (germline): Uncertain significance (1 of 4 stars; one submission).

Conditions:
Alzahrani-Kuwahara syndrome. Also called: NEURODEVELOPMENTAL DISORDER WITH DYSMORPHIC FACIES AND CATARACTS. Identifiers: MedGen C5543274, MONDO:0859136, OMIM 619268.

Submission:

Juno Genomics, Hangzhou Juno Genomics, Inc
Classification: Uncertain significance for Alzahrani-Kuwahara syndrome. Review status: criteria provided, single submitter. Criteria: ACMG Guidelines, 2015. Collection method: clinical testing. Allele origin: germline.
Comment: Protein length changes due to in-frame deletions/insertions in a non-repeat region or stop-loss variants.;Absent from controls (or at extremely low frequency if recessive) in Genome Aggregation Database.